The following is an entry in ClinVar:

NM_005090.4(JMJD7-PLA2G4B):c.1887C>T (p.Phe629=)

Genes: JMJD7-PLA2G4B (JMJD7-PLA2G4B readthrough; plus strand), PLA2G4B (phospholipase A2 group IVB; plus strand). Cytogenetic location: 15q15.1.
Variant type: single nucleotide variant.
Coding change: c.1887C>T on transcript NM_005090.4; coding-DNA position 1887, C replaced by T.
Protein change: p.Phe629=; no amino-acid change (phenylalanine 629 retained).
Molecular consequence: synonymous variant.
Genome position (GRCh38, 1-based): chr15:41,845,025, C>T. VCF-style: chr15-41845025-C-T. GRCh37 (hg19) VCF-style: chr15-42137223-C-T.
Other names: c.1194C>T, p.Phe398= (NM_001114633.2); c.1887C>T, p.Phe629= (NM_001198588.2).
Identifiers: ClinVar variation 3057485 (VCV003057485.2), dbSNP rs144031352, ClinGen allele CA7499961.
Genomic context (GRCh38, chr15:41,845,025, plus strand): 5'-GCTGCAGCGGTACCGGCAGGAGCTGGCCGAGCGTGCCCGCTTGGGCTACCCAAGCTGCTT[C>T]ACCAACCTGTGGGCCCTCATCAACGAGGCGCTGCTGCATGATGAGGTGCGGGGGCTGCGG-3'

ClinVar aggregate classification (germline): Likely benign (0 of 4 stars; one submission).

Conditions:
JMJD7-PLA2G4B-related disorder. Also called: JMJD7-PLA2G4B-related condition.

Allele frequency attached by ClinVar (database versions not stated): gnomAD 0.00014; ESP Exome Variant Server 0.00015; TOPMed 0.00016; ExAC 0.00029; gnomAD exomes 0.00036.
gnomAD v4.1: 528 of 1,603,284 alleles (0.033%); highest among the groups gnomAD compares: Non-Finnish European, 0.043%; no homozygotes.

Submission:

PreventionGenetics, part of Exact Sciences
Classification: Likely benign for JMJD7-PLA2G4B-related condition. Last evaluated: 2019-03-22. Review status: no assertion criteria provided. Collection method: clinical testing. Allele origin: germline.
Comment: This variant is classified as likely benign based on ACMG/AMP sequence variant interpretation guidelines (Richards et al. 2015 PMID: 25741868, with internal and published modifications).